The following is an entry in ClinVar:

NM_007294.4(BRCA1):c.5546A>G (p.Glu1849Gly)

Gene: BRCA1 (BRCA1 DNA repair associated; minus strand). Cytogenetic location: 17q21.31.
Variant type: single nucleotide variant.
Coding change: c.5546A>G on transcript NM_007294.4 (MANE Select); coding-DNA position 5546, A replaced by G.
Protein change: p.Glu1849Gly; replaces glutamic acid 1849 with glycine.
Molecular consequence: missense variant. On other transcripts: 3 prime UTR variant (1), non-coding transcript variant (1).
Genome position (GRCh38, 1-based): chr17:43,045,724, T>C on the plus strand (A>G on the coding strand, the complement: BRCA1 is on the minus strand). VCF-style: chr17-43045724-T-C. GRCh37 (hg19) VCF-style: chr17-41197741-T-C.
Other names: c.5540A>G, p.Glu1847Gly (NM_001407636.1, NM_001407637.1, NM_001407638.1 and 13 more transcripts); c.5537A>G, p.Glu1846Gly (NM_001407644.1, NM_001407645.1); c.5534A>G, p.Glu1845Gly (NM_001407646.1); c.5402A>G, p.Glu1801Gly (NM_001407741.1, NM_001407742.1, NM_001407743.1 and 18 more transcripts); c.5543A>G, p.Glu1848Gly (NM_001407617.1, NM_001407618.1, NM_001407619.1 and 14 more transcripts); c.5465A>G, p.Glu1822Gly (NM_001407658.1, NM_001407656.1, NM_001407657.1); c.5462A>G, p.Glu1821Gly (NM_001407659.1, NM_001407660.1, NM_001407661.1 and 2 more transcripts); c.5423A>G, p.Glu1808Gly (NM_001407664.1, NM_001407665.1, NM_001407666.1 and 3 more transcripts); and 74 more; short protein forms E1870G, E745G, E1802G, E1849G, E1722G, E1760G, E1765G, E1821G.
Identifiers: ClinVar variation 865000 (VCV000865000.3), dbSNP rs2050864495, ClinGen allele CA10590229.

Conditions:
Breast-ovarian cancer, familial, susceptibility to, 1 (BROVCA1). Also called: BRCA1 Hereditary Breast and Ovarian Cancer; OVARIAN CANCER, SUSCEPTIBILITY TO. Identifiers: Orphanet 145, MedGen C2676676, MONDO:0011450, OMIM 604370. Disease mechanism: loss of function.

Submission:

Brotman Baty Institute, University of Washington
No classification provided (evidence only). Condition: Breast-ovarian cancer, familial 1. Review status: no classification provided. Collection method: in vitro. Allele origin: not applicable. Functional consequence: functionally_normal.
ClinVar note: "not provided" was previously submitted as the classification for the variant. However, the classification appeared to be based only on an observation of functional data so it was converted to no classification on 2025-07-30.